The following is an entry in ClinVar:

NM_001845.6(COL4A1):c.3037G>A (p.Val1013Ile)

Gene: COL4A1 (collagen type IV alpha 1 chain; minus strand). Cytogenetic location: 13q34.
Variant type: single nucleotide variant.
Coding change: c.3037G>A on transcript NM_001845.6 (MANE Select); coding-DNA position 3037, G replaced by A.
Protein change: p.Val1013Ile; replaces valine 1013 with isoleucine.
Molecular consequence: missense variant.
Genome position (GRCh38, 1-based): chr13:110,176,445, C>T on the plus strand (G>A on the coding strand, the complement: COL4A1 is on the minus strand). VCF-style: chr13-110176445-C-T. GRCh37 (hg19) VCF-style: chr13-110828792-C-T.
Other names: c.3037G>A (NM_001845.4); short protein forms V1013I.
Identifiers: ClinVar variation 2956580 (VCV002956580.6), dbSNP rs766119538, ClinGen allele CA7047406.
Genomic context (GRCh38, chr13:110,176,445, plus strand): 5'-GCACACATGCTAAAGAATCCTCTTCTAAATCCAGTTTACCTGGCAAGCCCATTCCACCAA[C>T]AGATCCTTTTGGTCCCGGAAGTCCTGGAGCACCTGGGGTTCCACTTATACCTGGATCACC-3'
Protein context (NP_001836.3, residues 1003-1023): APGLPGPKGS[Val1013Ile]GGMGLPGTPG

ClinVar aggregate classification (germline): Uncertain significance. Review status: criteria provided, multiple submitters, no conflicts (2 of 4 stars). 4 submissions from 4 submitters: Uncertain significance (4). Last evaluated 2025-08-31.

Conditions:
Inborn genetic diseases. Identifiers: MedGen C0950123, MeSH D030342.
Autosomal dominant familial hematuria-retinal arteriolar tortuosity-contractures syndrome. Also called: Angiopathy, hereditary, with nephropathy, aneurysms, and muscle cramps; Hereditary Angiopathy with Nephropathy, Aneurysms, and Muscle Cramps (HANAC) Syndrome. Identifiers: Orphanet 73229, MedGen C2673195, MONDO:0012726, OMIM 611773.
Hemorrhage, intracerebral, susceptibility to (ICH). Also called: Stroke, hemorrhagic, susceptibility to. Identifiers: MedGen C3281105, MONDO:0100533, OMIM 614519.
Microangiopathy and leukoencephalopathy, pontine, autosomal dominant. Also called: DEMENTIA, HEREDITARY MULTI-INFARCT, SWEDISH TYPE; Pontine autosomal dominant microangiopathy with leukoencephalopathy. Identifiers: Orphanet 477749, MedGen C5231411, MONDO:0032814, OMIM 618564.
Brain small vessel disease 1 with or without ocular anomalies (BSVD1). Also called: Brain small vessel disease with or without ocular anomalies; BRAIN SMALL VESSEL DISEASE WITH HEMORRHAGE; PORENCEPHALY, TYPE 1, AUTOSOMAL DOMINANT; GOULD SYNDROME 1. Identifiers: Orphanet 2940, Orphanet 36383, Orphanet 99810, MedGen C4755307, MONDO:0008289, OMIM 175780.
Retinal arterial tortuosity. Also called: RETINAL HEMORRHAGE WITH VASCULAR TORTUOSITY; Retinal arteries, tortuosity of. Identifiers: Orphanet 75326, MedGen C0423401, MONDO:0008373, OMIM 180000, HP:0000631.

Allele frequency attached by ClinVar (database versions not stated): gnomAD exomes below 0.00001; TOPMed below 0.00001; ExAC 0.00001.
gnomAD v4.1: 6 of 1,613,314 alleles (0.00037%); highest among the groups gnomAD compares: South Asian, 0.0011%; no homozygotes.

Submissions (4):

Ambry Genetics
Classification: Uncertain significance for Inborn genetic diseases. Last evaluated: 2025-08-31. Review status: criteria provided, single submitter. Criteria: Ambry Variant Classification Scheme 2023. Collection method: clinical testing. Allele origin: germline.

Fulgent Genetics
Classification: Uncertain significance for Brain small vessel disease 1 with or without ocular anomalies; Retinal arterial tortuosity; Autosomal dominant familial hematuria-retinal arteriolar tortuosity-contractures syndrome; Hemorrhage, intracerebral, susceptibility to; Microangiopathy and leukoencephalopathy, pontine, autosomal dominant. Last evaluated: 2024-01-16. Review status: criteria provided, single submitter. Criteria: ACMG Guidelines, 2015. Collection method: clinical testing. Allele origin: germline.

Labcorp Genetics (formerly Invitae), Labcorp
Classification: Uncertain significance. Last evaluated: 2023-10-11. Review status: criteria provided, single submitter. Criteria: Invitae Variant Classification Sherloc (09022015). Collection method: clinical testing. Allele origin: germline.
Comment: This sequence change replaces valine, which is neutral and non-polar, with isoleucine, which is neutral and non-polar, at codon 1013 of the COL4A1 protein (p.Val1013Ile). This variant is present in population databases (rs766119538, gnomAD 0.003%). This variant has not been reported in the literature in individuals affected with COL4A1-related conditions. An algorithm developed to predict the effect of missense changes on protein structure and function (PolyPhen-2) suggests that this variant is likely to be tolerated. In summary, the available evidence is currently insufficient to determine the role of this variant in disease. Therefore, it has been classified as a Variant of Uncertain Significance.

Revvity Omics, Revvity
Classification: Uncertain significance. Last evaluated: 2023-08-17. Review status: criteria provided, single submitter. Criteria: ACMG Guidelines, 2015. Collection method: clinical testing. Allele origin: germline.